The following is an entry in ClinVar:

ClinVar aggregate classification (germline): Uncertain significance (1 of 4 stars; one submission).

Conditions:
McKusick-Kaufman syndrome (MKKS). Also called: HYDROMETROCOLPOS SYNDROME; HYDROMETROCOLPOS, POSTAXIAL POLYDACTYLY, AND CONGENITAL HEART MALFORMATION. Identifiers: Orphanet 2473, MedGen C0948368, MONDO:0009367, OMIM 236700.
Bardet-Biedl syndrome (BBS). Identifiers: Orphanet 110, MedGen C0752166, MONDO:0015229.

Allele frequency attached by ClinVar (database versions not stated): gnomAD exomes below 0.00001.

Submission:

Labcorp Genetics (formerly Invitae), Labcorp
Classification: Uncertain significance for McKusick-Kaufman syndrome; Bardet-Biedl syndrome. Last evaluated: 2022-07-25. Review status: criteria provided, single submitter. Criteria: Invitae Variant Classification Sherloc (09022015). Collection method: clinical testing. Allele origin: germline.
Comment: In summary, the available evidence is currently insufficient to determine the role of this variant in disease. Therefore, it has been classified as a Variant of Uncertain Significance. This variant disrupts the C-terminus of the MKKS protein. Other variant(s) that disrupt this region (p.Gln550*) have been observed in individuals with MKKS-related conditions (PMID: 20177705). This suggests that this may be a clinically significant region of the protein. ClinVar contains an entry for this variant (Variation ID: 1520941). This variant has not been reported in the literature in individuals affected with MKKS-related conditions. This variant is not present in population databases (gnomAD no frequency). This sequence change creates a premature translational stop signal (p.Cys525Leufs*5) in the MKKS gene. While this is not anticipated to result in nonsense mediated decay, it is expected to disrupt the last 46 amino acid(s) of the MKKS protein.

Literature cited by the submitters: PubMed 20177705.

NM_170784.3(MKKS):c.1573dup (p.Cys525fs)

Gene: MKKS (MKKS centrosomal shuttling protein; minus strand). Cytogenetic location: 20p12.2.
Variant type: Duplication.
Coding change: c.1573dup on transcript NM_170784.3 (MANE Select); coding-DNA position 1573, one base duplicated (T; older notation c.1573dupT).
Protein change: p.Cys525fs; shifts the reading frame from cysteine 525.
Molecular consequence: frameshift variant. On other transcripts: non-coding transcript variant (1).
Genome position (GRCh38, 1-based): chr20:10,405,387, A duplicated on the plus strand (T on the coding strand, the reverse complement: MKKS is on the minus strand). VCF-style (leftmost placement, unchanged base first): chr20-10405386-C-CA. GRCh37 (hg19) VCF-style: chr20-10386034-C-CA.
Other names: c.1573dup, p.Cys525fs (NM_018848.3); short protein forms C525fs.
Identifiers: ClinVar variation 1520941 (VCV001520941.6), dbSNP rs2122219488, ClinGen allele CA2573156824.